The following is an entry in ClinVar:

ClinVar aggregate classification (germline): Conflicting classifications of pathogenicity. Review status: criteria provided, conflicting classifications (1 of 4 stars). 3 submissions from 3 submitters: Likely pathogenic (1); Uncertain significance (2). Last evaluated 2020-06-01.

Conditions:
Hereditary spastic paraplegia. Also called: Familial spastic paraparesis. Identifiers: Orphanet 685, MedGen C0037773, MONDO:0019064. Disease mechanism: loss of function.
Hereditary spastic paraplegia 4. Also called: Spastic Paraplegia 4; Spastic paraplegia 4, autosomal dominant; Familial spastic paraplegia autosomal dominant 2. Identifiers: Orphanet 100985, MedGen C1866855, MONDO:0008438, OMIM 182601.

Submissions (3):

Genome Diagnostics Laboratory, The Hospital for Sick Children
Classification: Uncertain significance for Hereditary spastic paraplegia. Last evaluated: 2020-06-01. Review status: criteria provided, single submitter. Criteria: ACMG Guidelines, 2015. Collection method: clinical testing. Allele origin: germline. Affected: yes.

TIDEX, University of British Columbia
Classification: Likely pathogenic for Hereditary spastic paraplegia 4. Last evaluated: 2017-04-12. Review status: criteria provided, single submitter. Criteria: Submitter's publication. Collection method: research. Allele origin: de novo. Inheritance: Autosomal dominant inheritance. Affected: yes.

Labcorp Genetics (formerly Invitae), Labcorp
Classification: Uncertain significance for Hereditary spastic paraplegia 4. Last evaluated: 2017-04-03. Review status: criteria provided, single submitter. Criteria: Invitae Variant Classification Sherloc (09022015). Collection method: clinical testing. Allele origin: germline.
Comment: A different missense substitution at this codon (p.Asp493Gly) has been reported to segregate with hereditary spastic paraplegia (HSP) in a single family (PMID: 16682546), but the clinical significance of this variant is uncertain. In summary, this variant is a novel missense change with uncertain impact on protein function. It has been classified as a Variant of Uncertain Significance. Algorithms developed to predict the effect of missense changes on protein structure and function (SIFT, PolyPhen-2, Align-GVGD) all suggest that this variant is likely to be disruptive, but these predictions have not been confirmed by published functional studies. This variant is not present in population databases (ExAC no frequency) and has not been reported in the literature in individuals with a SPAST-related disease. This sequence change replaces aspartic acid with histidine at codon 493 of the SPAST protein (p.Asp493His). The aspartic acid residue is highly conserved and there is a moderate physicochemical difference between aspartic acid and histidine.

Literature cited by the submitters: PubMed 16682546 (cited by Labcorp Genetics (formerly Invitae), Labcorp).

NM_014946.4(SPAST):c.1477G>C (p.Asp493His)

Gene: SPAST (spastin; plus strand). Cytogenetic location: 2p22.3.
Variant type: single nucleotide variant.
Coding change: c.1477G>C on transcript NM_014946.4 (MANE Select); coding-DNA position 1477, G replaced by C.
Protein change: p.Asp493His; replaces aspartic acid 493 with histidine.
Molecular consequence: missense variant.
Genome position (GRCh38, 1-based): chr2:32,137,172, G>C. VCF-style: chr2-32137172-G-C. GRCh37 (hg19) VCF-style: chr2-32362241-G-C.
Other names: c.1474G>C, p.Asp492His (NM_001363823.2); c.1378G>C, p.Asp460His (NM_001363875.2); c.1381G>C, p.Asp461His (NM_001377959.1, NM_199436.2); short protein forms D493H, D460H, D461H, D492H.
Identifiers: ClinVar variation 417628 (VCV000417628.13), dbSNP rs1060499939, ClinGen allele CA16616713.